The following is an entry in ClinVar:

ClinVar aggregate classification (germline): Uncertain significance. Review status: criteria provided, multiple submitters, no conflicts (2 of 4 stars). 4 submissions from 4 submitters: Uncertain significance (4). Last evaluated 2025-11-18.

Conditions:
Dilated cardiomyopathy 1G (CMD1G). Identifiers: Orphanet 154, MedGen C1858763, MONDO:0011400, OMIM 604145.
Autosomal recessive limb-girdle muscular dystrophy type 2J (LGMDR10). Also called: MUSCULAR DYSTROPHY, LIMB-GIRDLE, AUTOSOMAL RECESSIVE 10; Limb-girdle muscular dystrophy, type 2J. Identifiers: Orphanet 140922, MedGen C1837342, MONDO:0012127, OMIM 608807.
Cardiovascular phenotype. Identifiers: MedGen CN230736.
Cardiomyopathy (CMYO). Also called: Cardiomyopathies. Identifiers: Orphanet 167848, MedGen C0878544, MONDO:0004994, HP:0001638. Inheritance: Various modes of inheritance.
TTN-related disorder. Also called: TTN-related condition; TTN-related disease; TTN-related disorders.

Allele frequency attached by ClinVar (database versions not stated): gnomAD exomes 0.00001 and 0.00002; TOPMed 0.00001; ExAC 0.00002.
gnomAD v4.1: 13 of 1,614,032 alleles (0.00081%); highest among the groups gnomAD compares: Admixed American, 0.0017%; no homozygotes.

Submissions (4):

PreventionGenetics, part of Exact Sciences
Classification: Uncertain significance for TTN-related condition. Last evaluated: 2025-11-18. Review status: criteria provided, single submitter. Criteria: ACMG Guidelines, 2015. Collection method: clinical testing. Allele origin: germline.
Comment: The TTN c.104315A>G variant is predicted to result in the amino acid substitution p.Glu34772Gly. This variant has been reported in an individual with skeletal myopathy (Savarese et al. 2020. PubMed ID: 32039858). This variant is reported in 0.0036% of alleles in individuals of European (Non-Finnish) descent in gnomAD and is interpreted as uncertain in ClinVar (Variation ID: 626395). At this time, the clinical significance of this variant is uncertain due to the absence of conclusive functional and genetic evidence.

Labcorp Genetics (formerly Invitae), Labcorp
Classification: Uncertain significance for Dilated cardiomyopathy 1G; Autosomal recessive limb-girdle muscular dystrophy type 2J. Last evaluated: 2023-11-11. Review status: criteria provided, single submitter. Criteria: Invitae Variant Classification Sherloc (09022015). Collection method: clinical testing. Allele origin: germline.
Comment: This sequence change replaces glutamic acid, which is acidic and polar, with glycine, which is neutral and non-polar, at codon 34772 of the TTN protein (p.Glu34772Gly). This variant is present in population databases (rs766674127, gnomAD 0.003%). This missense change has been observed in individual(s) with clinical features of TTN-related conditions (PMID: 32039858). ClinVar contains an entry for this variant (Variation ID: 626395). Experimental studies and prediction algorithms are not available or were not evaluated, and the functional significance of this variant is currently unknown. This variant is located in the M band of TTN (PMID: 25589632). Variants in this region may be relevant for neuromuscular disorders, but have not been definitively shown to cause cardiomyopathy (PMID: 23975875). In summary, the available evidence is currently insufficient to determine the role of this variant in disease. Therefore, it has been classified as a Variant of Uncertain Significance.

Ambry Genetics
Classification: Uncertain significance for Cardiovascular phenotype. Last evaluated: 2019-05-02. Review status: criteria provided, single submitter. Criteria: Ambry Variant Classification Scheme 2023. Collection method: clinical testing. Allele origin: germline.
Comment: The p.E25707G variant (also known as c.77120A>G), located in coding exon 185 of the TTN gene, results from an A to G substitution at nucleotide position 77120. The glutamic acid at codon 25707 is replaced by glycine, an amino acid with similar properties. This amino acid position is highly conserved in available vertebrate species. In addition, this alteration is predicted to be tolerated by in silico analysis. Since supporting evidence is limited at this time, the clinical significance of this alteration remains unclear.

CHEO Genetics Diagnostic Laboratory, Children's Hospital of Eastern Ontario
Classification: Uncertain significance for Cardiomyopathy. Last evaluated: 2016-03-15. Review status: criteria provided, single submitter. Criteria: ACMG Guidelines, 2015. Collection method: clinical testing. Allele origin: germline. Study: Canadian Open Genetics Repository.

Literature cited by the submitters: PubMed 32039858 (cited by Labcorp Genetics (formerly Invitae), Labcorp); PubMed 25589632 (cited by Labcorp Genetics (formerly Invitae), Labcorp); PubMed 23975875 (cited by Labcorp Genetics (formerly Invitae), Labcorp).

NM_001267550.2(TTN):c.104315A>G (p.Glu34772Gly)

Genes: TTN (titin; minus strand), TTN-AS1 (TTN antisense RNA 1; plus strand). Cytogenetic location: 2q31.2.
Variant type: single nucleotide variant.
Coding change: c.104315A>G on transcript NM_001267550.2 (MANE Select); coding-DNA position 104315, A replaced by G.
Protein change: p.Glu34772Gly; replaces glutamic acid 34772 with glycine.
Molecular consequence: missense variant.
Genome position (GRCh38, 1-based): chr2:178,532,300, T>C on the plus strand (A>G on the coding strand, the complement: TTN is on the minus strand). VCF-style: chr2-178532300-T-C. GRCh37 (hg19) VCF-style: chr2-179397027-T-C.
Other names: c.99392A>G, p.Glu33131Gly (NM_001256850.1); c.77120A>G, p.Glu25707Gly (NM_003319.4); c.96611A>G, p.Glu32204Gly (NM_133378.4); c.77495A>G, p.Glu25832Gly (NM_133432.3); c.77696A>G, p.Glu25899Gly (NM_133437.4); short protein forms E33131G, E34772G, E25707G, E25832G, E25899G, E32204G.
Identifiers: ClinVar variation 626395 (VCV000626395.9), dbSNP rs766674127, ClinGen allele CA1985445.